The following is an entry in ClinVar:

NM_001039141.3(TRIOBP):c.2869C>G (p.Gln957Glu)

Gene: TRIOBP (TRIO and F-actin binding protein; plus strand). Cytogenetic location: 22q13.1.
Variant type: single nucleotide variant.
Coding change: c.2869C>G on transcript NM_001039141.3 (MANE Select); coding-DNA position 2869, C replaced by G.
Protein change: p.Gln957Glu; replaces glutamine 957 with glutamic acid.
Molecular consequence: missense variant.
Genome position (GRCh38, 1-based): chr22:37,725,425, C>G. VCF-style: chr22-37725425-C-G. GRCh37 (hg19) VCF-style: chr22-38121432-C-G.
Other names: short protein forms Q957E.
Identifiers: ClinVar variation 618442 (VCV000618442.10), dbSNP rs370714631, ClinGen allele CA10223977.

ClinVar aggregate classification (germline): Uncertain significance. Review status: criteria provided, multiple submitters, no conflicts (2 of 4 stars). 2 submissions from 2 submitters: Uncertain significance (2). Last evaluated 2024-01-04.

Allele frequency attached by ClinVar (database versions not stated): gnomAD exomes below 0.00001 and 0.00001; ExAC 0.00001; gnomAD 0.00005 and 0.00006; TOPMed 0.00005; ESP Exome Variant Server 0.00008.
gnomAD v4.1: 19 of 1,610,532 alleles (0.0012%); highest among the groups gnomAD compares: African/African-American, 0.019%; no homozygotes.

Submissions (2):

GeneDx
Classification: Uncertain significance. Last evaluated: 2024-01-04. Review status: criteria provided, single submitter. Criteria: GeneDx Variant Classification Process June 2021. Collection method: clinical testing. Allele origin: germline. Affected: yes.
Comment: In silico analysis supports that this missense variant does not alter protein structure/function; Has not been previously published as pathogenic or benign to our knowledge

ARUP Laboratories, Molecular Genetics and Genomics, ARUP Laboratories
Classification: Uncertain significance. Last evaluated: 2018-05-09. Review status: criteria provided, single submitter. Criteria: ARUP Molecular Germline Variant Investigation Process. Collection method: clinical testing. Allele origin: germline.
Comment: The p.Gln957Glu variant (rs370714631) has not been reported in the medical literature, gene specific variation databases, nor has it been previously identified by our laboratory. This variant is listed in the genome Aggregation Database (gnomAD) with a frequency of 0.01 percent in the African population (identified on 3 out of 23986 chromosomes). The glutamine at position 957 is weakly conserved considering 12 species (Alamut v.11) and computational analyses of the p.Gln957Glu variant on protein structure and function indicate a neutral effect (SIFT: tolerated, PolyPhen-2: benign). Altogether there is not enough evidence to classify the p.Gln957Glu variant with certainty.